The following is an entry in ClinVar:

ClinVar aggregate classification (germline): Uncertain significance (1 of 4 stars; one submission).

gnomAD v4.1: 7 of 1,613,978 alleles (0.00043%); highest among the groups gnomAD compares: African/African-American, 0.0013%; no homozygotes.

Submission:

Labcorp Genetics (formerly Invitae), Labcorp
Classification: Uncertain significance. Last evaluated: 2025-12-24. Review status: criteria provided, single submitter. Criteria: Invitae Variant Classification Sherloc (09022015). Collection method: clinical testing. Allele origin: germline.
Comment: This sequence change replaces aspartic acid, which is acidic and polar, with asparagine, which is neutral and polar, at codon 234 of the LZTS1 protein (p.Asp234Asn). This variant is not present in population databases (gnomAD no frequency). This variant has not been reported in the literature in individuals affected with LZTS1-related conditions. Invitae Evidence Modeling of protein sequence and biophysical properties (such as structural, functional, and spatial information, amino acid conservation, physicochemical variation, residue mobility, and thermodynamic stability) indicates that this missense variant is not expected to disrupt LZTS1 protein function with a negative predictive value of 80%. In summary, the available evidence is currently insufficient to determine the role of this variant in disease. Therefore, it has been classified as a Variant of Uncertain Significance.

NM_021020.5(LZTS1):c.700G>A (p.Asp234Asn)

Gene: LZTS1 (leucine zipper tumor suppressor 1; minus strand). Cytogenetic location: 8p21.3.
Variant type: single nucleotide variant.
Coding change: c.700G>A on transcript NM_021020.5 (MANE Select); coding-DNA position 700, G replaced by A.
Protein change: p.Asp234Asn; replaces aspartic acid 234 with asparagine.
Molecular consequence: missense variant.
Genome position (GRCh38, 1-based): chr8:20,253,231, C>T on the plus strand (G>A on the coding strand, the complement: LZTS1 is on the minus strand). VCF-style: chr8-20253231-C-T. GRCh37 (hg19) VCF-style: chr8-20110742-C-T.
Other names: c.700G>A, p.Asp234Asn (NM_001362884.2); short protein forms D234N.
Identifiers: ClinVar variation 4764746 (VCV004764746.1).
Genomic context (GRCh38, chr8:20,253,231, plus strand): 5'-AGCGGACACACGAGGGGCCCTTGTCTGCCTTGTTCGAGTGGCCCAGCTTGCTACCTCCGT[C>T]GGAGAAGGACAGAGCCTTCAGGCTCATCATGTTGCTGTCCTGGAGGACGATGCCCTGGGT-3'
Protein context (NP_066300.1, residues 224-244): MMSLKALSFS[Asp234Asn]GGSKLGHSNK